The following is an entry in ClinVar:

NM_001258392.3(CLPB):c.121A>G (p.Ser41Gly)

Genes: CLPB (ClpB family mitochondrial disaggregase; minus strand), LOC130006336 (ATAC-STARR-seq lymphoblastoid active region 5191; plus strand). Cytogenetic location: 11q13.4.
Variant type: single nucleotide variant.
Coding change: c.121A>G on transcript NM_001258392.3 (MANE Select); coding-DNA position 121, A replaced by G.
Protein change: p.Ser41Gly; replaces serine 41 with glycine.
Molecular consequence: missense variant. On other transcripts: 5 prime UTR variant (1).
Genome position (GRCh38, 1-based): chr11:72,434,354, T>C on the plus strand (A>G on the coding strand, the complement: CLPB is on the minus strand). VCF-style: chr11-72434354-T-C. GRCh37 (hg19) VCF-style: chr11-72145398-T-C.
Other names: c.121A>G, p.Ser41Gly (NM_001258393.3, NM_030813.6); c.-122A>G (NM_001258394.3); short protein forms S41G.
Identifiers: ClinVar variation 4537299 (VCV004537299.1).

ClinVar aggregate classification (germline): Uncertain significance (1 of 4 stars; one submission).

gnomAD v4.1: 1 of 1,611,914 alleles (0.000062%); highest among the groups gnomAD compares: Non-Finnish European, 0.000085%; no homozygotes.

Submission:

Women's Health and Genetics/Laboratory Corporation of America, LabCorp
Classification: Uncertain significance. Last evaluated: 2025-11-19. Review status: criteria provided, single submitter. Criteria: LabCorp Variant Classification Summary - May 2015. Collection method: clinical testing. Allele origin: germline.
Comment: Variant summary: CLPB c.121A>G (p.Ser41Gly) results in a non-conservative amino acid change in the encoded protein sequence. Algorithms developed to predict the effect of missense changes on protein structure and function are either unavailable or do not agree on the potential impact of this missense change. The variant was absent in 249452 control chromosomes. The available data on variant occurrences in the general population are insufficient to allow any conclusion about variant significance. To our knowledge, no occurrence of c.121A>G in individuals affected with CLPB-related conditions and no experimental evidence demonstrating its impact on protein function have been reported. No submitters have cited clinical-significance assessments for this variant to ClinVar. Based on the evidence outlined above, the variant was classified as uncertain significance.